The following is an entry in ClinVar:

ClinVar aggregate classification (germline): Likely pathogenic (1 of 4 stars; one submission).

Conditions:
Perrault syndrome 4 (PRLTS4). Identifiers: Orphanet 2855, MedGen C3809105, MONDO:0014126, OMIM 615300.

gnomAD v4.1: 4 of 1,611,204 alleles (0.00025%); highest among the groups gnomAD compares: Admixed American, 0.005%; no homozygotes.

Submission:

Genetics Department, Hospital Ramon y Cajal-IRYCIS
Classification: Likely pathogenic for Perrault syndrome 4. Last evaluated: 2024-06-14. Review status: criteria provided, single submitter. Criteria: ClinGen HL ACMG Specifications v1. Collection method: research. Allele origin: maternal. Affected: yes.
Comment: Found in trans with NM_015340.4:c.308G>A

NM_015340.4(LARS2):c.795A>G (p.Ile265Met)

Gene: LARS2 (leucyl-tRNA synthetase 2, mitochondrial; plus strand). Cytogenetic location: 3p21.31.
Variant type: single nucleotide variant.
Coding change: c.795A>G on transcript NM_015340.4 (MANE Select); coding-DNA position 795, A replaced by G.
Protein change: p.Ile265Met; replaces isoleucine 265 with methionine.
Molecular consequence: missense variant.
Genome position (GRCh38, 1-based): chr3:45,474,287, A>G. VCF-style: chr3-45474287-A-G. GRCh37 (hg19) VCF-style: chr3-45515779-A-G.
Other names: c.795A>G, p.Ile265Met (NM_001368263.1); short protein forms I265M.
Identifiers: ClinVar variation 3242248 (VCV003242248.1).